The following is an entry in ClinVar:

NM_001267550.2(TTN):c.72137C>T (p.Ala24046Val)

Genes: TTN (titin; minus strand), TTN-AS1 (TTN antisense RNA 1; plus strand). Cytogenetic location: 2q31.2.
Variant type: single nucleotide variant.
Coding change: c.72137C>T on transcript NM_001267550.2 (MANE Select); coding-DNA position 72137, C replaced by T.
Protein change: p.Ala24046Val; replaces alanine 24046 with valine.
Molecular consequence: missense variant.
Genome position (GRCh38, 1-based): chr2:178,573,995, G>A on the plus strand (C>T on the coding strand, the complement: TTN is on the minus strand). VCF-style: chr2-178573995-G-A. GRCh37 (hg19) VCF-style: chr2-179438722-G-A.
Other names: p.A22405V:GCA>GTA; c.44942C>T, p.Ala14981Val (NM_003319.4); c.45317C>T, p.Ala15106Val (NM_133432.3); c.45518C>T, p.Ala15173Val (NM_133437.4); c.67214C>T, p.Ala22405Val (NM_001256850.1); c.64433C>T, p.Ala21478Val (NM_133378.4); short protein forms A24046V, A21478V, A22405V, A14981V, A15106V, A15173V.
Identifiers: ClinVar variation 47309 (VCV000047309.38), dbSNP rs146767076, ClinGen allele CA140631.

ClinVar aggregate classification (germline): Conflicting classifications of pathogenicity. Review status: criteria provided, conflicting classifications (1 of 4 stars). 19 submissions from 15 submitters: Uncertain significance (3); Benign (4); Likely benign (9). 3 of the submissions do not count toward it. Last evaluated 2026-02-03.

Conditions:
Cardiovascular phenotype. Identifiers: MedGen CN230736.
Autosomal recessive limb-girdle muscular dystrophy type 2J (LGMDR10). Also called: Limb-girdle muscular dystrophy, type 2J; MUSCULAR DYSTROPHY, LIMB-GIRDLE, AUTOSOMAL RECESSIVE 10. Identifiers: Orphanet 140922, MedGen C1837342, MONDO:0012127, OMIM 608807.
Dilated cardiomyopathy 1G (CMD1G). Identifiers: Orphanet 154, MedGen C1858763, MONDO:0011400, OMIM 604145.
Early-onset myopathy with fatal cardiomyopathy (CMYO5). Also called: Salih Myopathy; CONGENITAL MYOPATHY 5 WITH CARDIOMYOPATHY. Identifiers: Orphanet 289377, MedGen C2673677, MONDO:0012714, OMIM 611705. Disease mechanism: loss of function.
Myopathy, myofibrillar, 9, with early respiratory failure (MFM9). Also called: Hereditary myopathy with early respiratory failure; EDSTROM MYOPATHY; MYOPATHY, PROXIMAL, WITH EARLY RESPIRATORY MUSCLE INVOLVEMENT; Myopathy, distal, with early respiratory failure, autosomal dominant. Identifiers: Orphanet 178464, Orphanet 34521, MedGen C1863599, MONDO:0011362, OMIM 603689.
Tibial muscular dystrophy (TMD). Also called: UDD MYOPATHY; Udd Distal Myopathy – Tibial Muscular Dystrophy; Tibial muscular dystrophy, tardive. Identifiers: Orphanet 609, MedGen C1838244, MONDO:0010870, OMIM 600334.

Allele frequency attached by ClinVar (database versions not stated): gnomAD exomes 0.00012 and 0.00036; ExAC 0.00039; ESP Exome Variant Server 0.00117; 1000 Genomes Project 30x 0.00125; TOPMed 0.00130; gnomAD 0.00132 and 0.00134; 1000 Genomes Project 0.00140.
gnomAD v4.1: 382 of 1,613,350 alleles (0.024%); highest among the groups gnomAD compares: African/African-American, 0.45%; 1 homozygote.

Submissions (19):

Labcorp Genetics (formerly Invitae), Labcorp
Classification: Likely benign for Dilated cardiomyopathy 1G; Autosomal recessive limb-girdle muscular dystrophy type 2J. Last evaluated: 2026-02-03. Review status: criteria provided, single submitter. Criteria: Invitae Variant Classification Sherloc (09022015). Collection method: clinical testing. Allele origin: germline.

Mayo Clinic Laboratories, Mayo Clinic
Classification: Likely benign. Last evaluated: 2025-10-02. Review status: criteria provided, single submitter. Criteria: ACMG Guidelines, 2015. Collection method: clinical testing. Allele origin: germline. Observed: 3 variant alleles.
Comment: BS1, BP4

Molecular Diagnostic Laboratory for Inherited Cardiovascular Disease, Montreal Heart Institute
Classification: Likely benign. Last evaluated: 2025-04-09. Review status: criteria provided, single submitter. Criteria: ACMG Guidelines, 2015. Collection method: clinical testing. Allele origin: germline. Affected: no.

Blueprint Genetics
Classification: Likely benign. Last evaluated: 2024-10-09. Review status: criteria provided, single submitter. Criteria: ACMG Guidelines, 2015. Collection method: clinical testing. Allele origin: germline.

Women's Health and Genetics/Laboratory Corporation of America, LabCorp
Classification: Benign. Last evaluated: 2023-05-08. Review status: criteria provided, single submitter. Criteria: LabCorp Variant Classification Summary - May 2015. Collection method: clinical testing. Allele origin: germline.
Comment: Variant summary: TTN c.64433C>T (p.Ala21478Val) results in a non-conservative amino acid change located in the A-band region of the encoded protein sequence. Four of five in-silico tools predict a benign effect of the variant on protein function. The variant allele was found at a frequency of 0.00047 in 279556 control chromosomes (gnomAD), predominantly at a frequency of 0.0048 within the African or African-American subpopulation in the gnomAD database, including 1 homozygote. The observed variant frequency within African or African-American control individuals in the gnomAD database is approximately 12 fold of the estimated maximal expected allele frequency for a pathogenic variant in TTN causing Dilated Cardiomyopathy phenotype (0.00039), strongly suggesting that the variant is a benign polymorphism found primarily in populations of African or African-American origin. To our knowledge, no occurrence of c.64433C>T in individuals affected with Dilated Cardiomyopathy and no experimental evidence demonstrating its impact on protein function have been reported. Eight ClinVar submitters have assessed the variant since 2014: one classified the variant as uncertain significance, five as likely benign, and two as benign. Based on the evidence outlined above, the variant was classified as benign.

ARUP Laboratories, Molecular Genetics and Genomics, ARUP Laboratories
Classification: Likely benign. Last evaluated: 2022-09-20. Review status: criteria provided, single submitter. Criteria: ARUP Molecular Germline Variant Investigation Process 2021. Collection method: clinical testing. Allele origin: germline.

GeneDx
Classification: Likely benign. Last evaluated: 2020-10-22. Review status: criteria provided, single submitter. Criteria: GeneDx Variant Classification Process June 2021. Collection method: clinical testing. Allele origin: germline. Affected: yes.

Ambry Genetics
Classification: Likely benign for Cardiovascular phenotype. Last evaluated: 2019-03-19. Review status: criteria provided, single submitter. Criteria: Ambry Variant Classification Scheme 2023. Collection method: clinical testing. Allele origin: germline.

Illumina Laboratory Services, Illumina
Classification: Uncertain significance for Dilated cardiomyopathy 1G. Last evaluated: 2018-01-13. Review status: criteria provided, single submitter. Criteria: ICSL Variant Classification Criteria 13 December 2019. Collection method: clinical testing. Allele origin: germline.

Illumina Laboratory Services, Illumina
Classification: Benign for Myopathy, myofibrillar, 9, with early respiratory failure. Last evaluated: 2018-01-13. Review status: criteria provided, single submitter. Criteria: ICSL Variant Classification Criteria 13 December 2019. Collection method: clinical testing. Allele origin: germline.
Comment: This variant was observed in the ICSL laboratory as part of a predisposition screen in an ostensibly healthy population. It had not been previously curated by ICSL or reported in the Human Gene Mutation Database (HGMD: prior to June 1st, 2018), and was therefore a candidate for classification through an automated scoring system. Utilizing variant allele frequency, disease prevalence and penetrance estimates, and inheritance mode, an automated score was calculated to assess if this variant is too frequent to cause the disease. Based on the score and internal cut-off values, a variant classified as benign is not then subjected to further curation. The score for this variant resulted in a classification of benign for this disease.

Illumina Laboratory Services, Illumina
Classification: Uncertain significance for Autosomal recessive limb-girdle muscular dystrophy type 2J. Last evaluated: 2018-01-13. Review status: criteria provided, single submitter. Criteria: ICSL Variant Classification Criteria 13 December 2019. Collection method: clinical testing. Allele origin: germline.

Illumina Laboratory Services, Illumina
Classification: Benign for Tibial muscular dystrophy. Last evaluated: 2018-01-13. Review status: criteria provided, single submitter. Criteria: ICSL Variant Classification Criteria 13 December 2019. Collection method: clinical testing. Allele origin: germline.
Comment: the same text as in the submission from Illumina Laboratory Services, Illumina above.

Illumina Laboratory Services, Illumina
Classification: Uncertain significance for Early-onset myopathy with fatal cardiomyopathy. Last evaluated: 2018-01-13. Review status: criteria provided, single submitter. Criteria: ICSL Variant Classification Criteria 13 December 2019. Collection method: clinical testing. Allele origin: germline.

Eurofins Ntd Llc (ga)
Classification: Likely benign. Last evaluated: 2016-09-30. Review status: criteria provided, single submitter. Criteria: EGL Classification Definitions 2015. Collection method: clinical testing. Allele origin: germline. Observed: 3 variant alleles, 3 heterozygotes.

Laboratory for Molecular Medicine, Mass General Brigham Personalized Medicine
Classification: Benign. Last evaluated: 2015-07-29. Review status: criteria provided, single submitter. Criteria: LMM Criteria. Collection method: clinical testing. Allele origin: germline. Observed: 4 variant alleles.
Comment: p.Ala21478Val in exon 275 of TTN: This variant is not expected to have clinical significance because it has been identified in 0.4% (43/9776) of African chromos omes by the Exome Aggregation Consortium (ExAC; dbSNP rs146767076). In addition, there is a lack of conservation across species and 2 mammals (opossum, wallaby) carry a valine (Val) at this position.

Biesecker Lab/Clinical Genomics Section, National Institutes of Health
Classification: Likely benign. Last evaluated: 2013-06-24. Review status: criteria provided, single submitter. Criteria: Ng et al. (Circ Cardiovasc Genet. 2013). Collection method: research. Allele origin: unknown. Observed: 2 variant alleles. Study: ClinSeq.
Comment: The study set was not selected for affection status in relation to any cancer. Pathogenicity categories were based on literature curation. See Pubmed ID:23861362 for details.

Medical sequencing

Clinical Genetics DNA and cytogenetics Diagnostics Lab, Erasmus MC, Erasmus Medical Center
Classification: Likely benign. Review status: no assertion criteria provided. Collection method: clinical testing. Allele origin: germline. Affected: yes. Study: VKGL Data-share Consensus. Not counted in ClinVar's aggregate classification.

Clinical Genetics, Academic Medical Center
Classification: Benign. Review status: no assertion criteria provided. Collection method: clinical testing. Allele origin: germline. Affected: yes. Study: VKGL Data-share Consensus. Not counted in ClinVar's aggregate classification.

Diagnostic Laboratory, Department of Genetics, University Medical Center Groningen
Classification: Likely benign. Review status: no assertion criteria provided. Collection method: clinical testing. Allele origin: germline. Affected: yes. Study: VKGL Data-share Consensus. Not counted in ClinVar's aggregate classification.